The following is an entry in ClinVar:

ClinVar aggregate classification (germline): Uncertain significance. Review status: criteria provided, multiple submitters, no conflicts (2 of 4 stars). 2 submissions from 2 submitters: Uncertain significance (2). Last evaluated 2025-03-20.

Conditions:
Inborn genetic diseases. Identifiers: MedGen C0950123, MeSH D030342.

Allele frequency attached by ClinVar (database versions not stated): gnomAD exomes below 0.00001.

Submissions (2):

Ambry Genetics
Classification: Uncertain significance for Inborn genetic diseases. Last evaluated: 2025-03-20. Review status: criteria provided, single submitter. Criteria: Ambry Variant Classification Scheme 2023. Collection method: clinical testing. Allele origin: germline.

Labcorp Genetics (formerly Invitae), Labcorp
Classification: Uncertain significance. Last evaluated: 2023-11-27. Review status: criteria provided, single submitter. Criteria: Invitae Variant Classification Sherloc (09022015). Collection method: clinical testing. Allele origin: germline.
Comment: This sequence change replaces methionine, which is neutral and non-polar, with valine, which is neutral and non-polar, at codon 209 of the RLBP1 protein (p.Met209Val). This variant is present in population databases (no rsID available, gnomAD 0.003%). This variant has not been reported in the literature in individuals affected with RLBP1-related conditions. ClinVar contains an entry for this variant (Variation ID: 1406845). Advanced modeling of protein sequence and biophysical properties (such as structural, functional, and spatial information, amino acid conservation, physicochemical variation, residue mobility, and thermodynamic stability) performed at Invitae indicates that this missense variant is not expected to disrupt RLBP1 protein function with a negative predictive value of 80%. In summary, the available evidence is currently insufficient to determine the role of this variant in disease. Therefore, it has been classified as a Variant of Uncertain Significance.

NM_000326.5(RLBP1):c.625A>G (p.Met209Val)

Gene: RLBP1 (retinaldehyde binding protein 1; minus strand). Cytogenetic location: 15q26.1.
Variant type: single nucleotide variant.
Coding change: c.625A>G on transcript NM_000326.5 (MANE Select); coding-DNA position 625, A replaced by G.
Protein change: p.Met209Val; replaces methionine 209 with valine.
Molecular consequence: missense variant.
Genome position (GRCh38, 1-based): chr15:89,211,802, T>C on the plus strand (A>G on the coding strand, the complement: RLBP1 is on the minus strand). VCF-style: chr15-89211802-T-C. GRCh37 (hg19) VCF-style: chr15-89755033-T-C.
Other names: c.625A>G (NM_000326.4); short protein forms M209V.
Identifiers: ClinVar variation 1406845 (VCV001406845.7), dbSNP rs1198644918, ClinGen allele CA393729093.
Genomic context (GRCh38, chr15:89,211,802, plus strand): 5'-CCTGGAGCATGTCCACCATCTTCCTGAGATCTGAAGTCCGGAGACTAGCAGCCTGCTGCA[T>C]GGTAAAGCCCTTGAAGTTCTCAATGATGCAGAAGCCATTGATTTGAGTTTCCTCATTCTC-3'
Protein context (NP_000317.1, residues 199-219): CIIENFKGFT[Met209Val]QQAASLRTSD